The following is an entry in ClinVar:

NM_014476.6(PDLIM3):c.1076C>T (p.Thr359Ile)

Gene: PDLIM3 (PDZ and LIM domain 3; minus strand). Cytogenetic location: 4q35.1.
Variant type: single nucleotide variant.
Coding change: c.1076C>T on transcript NM_014476.6 (MANE Select); coding-DNA position 1076, C replaced by T.
Protein change: p.Thr359Ile; replaces threonine 359 with isoleucine.
Molecular consequence: missense variant. On other transcripts: non-coding transcript variant (1).
Genome position (GRCh38, 1-based): chr4:185,502,313, G>A on the plus strand (C>T on the coding strand, the complement: PDLIM3 is on the minus strand). VCF-style: chr4-185502313-G-A. GRCh37 (hg19) VCF-style: chr4-186423467-G-A.
Other names: c.932C>T, p.Thr311Ile (NM_001114107.5); c.812C>T, p.Thr271Ile (NM_001257962.2); c.575C>T, p.Thr192Ile (NM_001257963.2); short protein forms T192I, T311I, T271I, T359I.
Identifiers: ClinVar variation 3887489 (VCV003887489.1).

ClinVar aggregate classification (germline): Uncertain significance (1 of 4 stars; one submission).

gnomAD v4.1: 9 of 1,614,258 alleles (0.00056%); highest among the groups gnomAD compares: Non-Finnish European, 0.00076%; no homozygotes.

Submission:

Ambry Genetics
Classification: Uncertain significance. Last evaluated: 2025-02-27. Review status: criteria provided, single submitter. Criteria: Ambry Variant Classification Scheme 2023. Collection method: clinical testing. Allele origin: germline.
Comment: The p.T359I variant (also known as c.1076C>T), located in coding exon 8 of the PDLIM3 gene, results from a C to T substitution at nucleotide position 1076. The threonine at codon 359 is replaced by isoleucine, an amino acid with similar properties. This amino acid position is conserved. In addition, this alteration is predicted to be tolerated by in silico analysis. Based on the available evidence, the clinical significance of this variant remains unclear.